The following is an entry in ClinVar:

NM_078629.4(MSL3):c.1220dup (p.Ser407fs)

Gene: MSL3 (MSL complex subunit 3; plus strand). Cytogenetic location: Xp22.2.
Variant type: Duplication.
Coding change: c.1220dup on transcript NM_078629.4 (MANE Select); coding-DNA position 1220, one base duplicated (G; older notation c.1220dupG).
Protein change: p.Ser407fs; shifts the reading frame from serine 407.
Molecular consequence: frameshift variant.
Genome position (GRCh38, 1-based): chrX:11,768,621, G duplicated. VCF-style (leftmost placement, unchanged base first): chrX-11768620-A-AG. GRCh37 (hg19) VCF-style: chrX-11786739-A-AG.
Other names: c.1184dup, p.Ser395fs (NM_001193270.2); c.773dup, p.Ser258fs (NM_001282174.1); c.722dup, p.Ser241fs (NM_006800.4); short protein forms S241fs, S258fs, S395fs, S407fs.
Identifiers: ClinVar variation 3382675 (VCV003382675.2).
Genomic context (GRCh38, chrX:11,768,620, plus strand): 5'-TTTTCTTTGGAAGAGACACCTGTGCATAGCAGATCATCTTCACCTATTCCTCTGACTCCT[A>AG]GCAAGGAAGGGAGTGCTGTGTTTGCTGGCTTTGAAGGGAGAAGAACTAATGAAATAAACG-3'

ClinVar aggregate classification (germline): Likely pathogenic (1 of 4 stars; one submission).

Conditions:
Basilicata-Akhtar syndrome. Also called: MENTAL RETARDATION, X-LINKED, SYNDROMIC, BASILICATA-AKHTAR TYPE; INTELLECTUAL DEVELOPMENTAL DISORDER, X-LINKED, SYNDROMIC, 36. Identifiers: MedGen C5231394, MONDO:0026730, OMIM 301032.

Submission:

Juno Genomics, Hangzhou Juno Genomics, Inc
Classification: Likely pathogenic for Basilicata-Akhtar syndrome. Review status: criteria provided, single submitter. Criteria: ACMG Guidelines, 2015. Collection method: clinical testing. Allele origin: germline. Affected: yes.
Comment: Absent from controls (or at extremely low frequency if recessive) in Genome Aggregation Database, Exome Sequencing Project, 1000 Genomes Project, or Exome Aggregation Consortium.;Null variant in a gene where loss of function (LOF) is a known mechanism of disease.